The following is an entry in ClinVar:

NM_004553.6(NDUFS6):c.247C>T (p.Arg83Trp)

Gene: NDUFS6 (NADH:ubiquinone oxidoreductase subunit S6; plus strand). Cytogenetic location: 5p15.33.
Variant type: single nucleotide variant.
Coding change: c.247C>T on transcript NM_004553.6 (MANE Select); coding-DNA position 247, C replaced by T.
Protein change: p.Arg83Trp; replaces arginine 83 with tryptophan.
Molecular consequence: missense variant.
Genome position (GRCh38, 1-based): chr5:1,814,399, C>T. VCF-style: chr5-1814399-C-T. GRCh37 (hg19) VCF-style: chr5-1814513-C-T.
Other names: p.R83W:CGG>TGG; c.247C>T (NM_004553.5); short protein forms R83W.
Identifiers: ClinVar variation 214820 (VCV000214820.8), dbSNP rs863224110, ClinGen allele CA324239.

ClinVar aggregate classification (germline): Conflicting classifications of pathogenicity. Review status: criteria provided, conflicting classifications (1 of 4 stars). 4 submissions from 4 submitters: Likely pathogenic (1); Uncertain significance (3). Last evaluated 2025-11-05.

Conditions:
Mitochondrial complex I deficiency, nuclear type 9. Also called: Mitochondrial complex 1 deficiency, nuclear type 9. Identifiers: MedGen C4748767, MONDO:0032615, OMIM 618232.

Allele frequency attached by ClinVar (database versions not stated): gnomAD exomes 0.00002; gnomAD 0.00003; TOPMed 0.00005.

Submissions (4):

Labcorp Genetics (formerly Invitae), Labcorp
Classification: Uncertain significance. Last evaluated: 2025-11-05. Review status: criteria provided, single submitter. Criteria: Invitae Variant Classification Sherloc (09022015). Collection method: clinical testing. Allele origin: germline.
Comment: This sequence change replaces arginine, which is basic and polar, with tryptophan, which is neutral and slightly polar, at codon 83 of the NDUFS6 protein (p.Arg83Trp). This variant is present in population databases (no rsID available, gnomAD 0.01%). This variant has not been reported in the literature in individuals affected with NDUFS6-related conditions. ClinVar contains an entry for this variant (Variation ID: 214820). An algorithm developed to predict the effect of missense changes on protein structure and function (PolyPhen-2) suggests that this variant is likely to be disruptive. In summary, the available evidence is currently insufficient to determine the role of this variant in disease. Therefore, it has been classified as a Variant of Uncertain Significance.

Women's Health and Genetics/Laboratory Corporation of America, LabCorp
Classification: Uncertain significance. Last evaluated: 2021-12-18. Review status: criteria provided, single submitter. Criteria: LabCorp Variant Classification Summary - May 2015. Collection method: clinical testing. Allele origin: germline.
Comment: Variant summary: NDUFS6 c.247C>T (p.Arg83Trp) results in a non-conservative amino acid change located in the Zinc finger, CHCC-type domain (IPR019401) of the encoded protein sequence. Five of five in-silico tools predict a damaging effect of the variant on protein function. The variant allele was found at a frequency of 2.4e-05 in 251496 control chromosomes. The available data on variant occurrences in the general population are insufficient to allow any conclusion about variant significance. To our knowledge, no occurrence of c.247C>T in individuals affected with Leigh Syndrome and no experimental evidence demonstrating its impact on protein function have been reported. No clinical diagnostic laboratories have submitted clinical-significance assessments for this variant to ClinVar after 2014. Based on the evidence outlined above, the variant was classified as uncertain significance.

Revvity Omics, Revvity
Classification: Uncertain significance for Mitochondrial complex I deficiency, nuclear type 9. Last evaluated: 2021-09-08. Review status: criteria provided, single submitter. Criteria: ACMG Guidelines, 2015. Collection method: clinical testing. Allele origin: germline.

GeneDx
Classification: Likely pathogenic. Last evaluated: 2014-06-03. Review status: criteria provided, single submitter. Criteria: GeneDx Variant Classification (06012015). Collection method: clinical testing. Allele origin: germline. Affected: yes.
Comment: p.Arg83Trp (CGG>TGG): c.247 C>T in exon 3 of the NDUFS6 gene (NM_004553.3). The R83W variant that is likely pathogenic was identified in the NDUFS6 gene. It has not been published as a mutation, nor has it been reported as a benign polymorphism to our knowledge. The R83W variant is a non-conservative amino acid substitution, which is likely to impact secondary protein structure as these residues differ in polarity, charge, size and/or other properties. This substitution occurs at a position that is highly conserved across species. In silico analysis predicts this variant is probably damaging to the protein structure/function. Therefore, this variant is a strong candidate for a pathogenic mutation, however the possibility that it is a benign variant cannot be excluded. The variant is found in MITONUC-MITOP panel(s).